The following is an entry in ClinVar:

ClinVar aggregate classification (germline): Uncertain significance (1 of 4 stars; one submission).

Conditions:
Autosomal recessive limb-girdle muscular dystrophy type 2L (LGMDR12). Also called: Limb-girdle muscular dystrophy, type 2L; Limb-Girdle Muscular Dystrophy R12 Anoctamin-5-Related (LGMD-R12); MUSCULAR DYSTROPHY, LIMB-GIRDLE, AUTOSOMAL RECESSIVE 12. Identifiers: Orphanet 206549, MedGen C1969785, MONDO:0012652, OMIM 611307.
Gnathodiaphyseal dysplasia (GDD). Also called: OSTEOGENESIS IMPERFECTA WITH UNUSUAL SKELETAL LESIONS; GNATHODIAPHYSEAL SCLEROSIS. Identifiers: Orphanet 53697, MedGen C1833736, MONDO:0008151, OMIM 166260.

Allele frequency attached by ClinVar (database versions not stated): gnomAD exomes below 0.00001 and 0.00002.
gnomAD v4.1: 11 of 1,613,284 alleles (0.00068%); highest among the groups gnomAD compares: South Asian, 0.0022%; no homozygotes.

Submission:

Labcorp Genetics (formerly Invitae), Labcorp
Classification: Uncertain significance for Autosomal recessive limb-girdle muscular dystrophy type 2L; Gnathodiaphyseal dysplasia. Last evaluated: 2024-06-28. Review status: criteria provided, single submitter. Criteria: Invitae Variant Classification Sherloc (09022015). Collection method: clinical testing. Allele origin: germline.
Comment: This sequence change replaces alanine, which is neutral and non-polar, with threonine, which is neutral and polar, at codon 48 of the ANO5 protein (p.Ala48Thr). This variant is present in population databases (no rsID available, gnomAD 0.006%). This variant has not been reported in the literature in individuals affected with ANO5-related conditions. ClinVar contains an entry for this variant (Variation ID: 843439). Advanced modeling of protein sequence and biophysical properties (such as structural, functional, and spatial information, amino acid conservation, physicochemical variation, residue mobility, and thermodynamic stability) performed at Invitae indicates that this missense variant is not expected to disrupt ANO5 protein function with a negative predictive value of 95%. In summary, the available evidence is currently insufficient to determine the role of this variant in disease. Therefore, it has been classified as a Variant of Uncertain Significance.

NM_213599.3(ANO5):c.142G>A (p.Ala48Thr)

Gene: ANO5 (anoctamin 5; plus strand). Cytogenetic location: 11p14.3.
Variant type: single nucleotide variant.
Coding change: c.142G>A on transcript NM_213599.3 (MANE Select); coding-DNA position 142, G replaced by A.
Protein change: p.Ala48Thr; replaces alanine 48 with threonine.
Molecular consequence: missense variant.
Genome position (GRCh38, 1-based): chr11:22,218,249, G>A. VCF-style: chr11-22218249-G-A. GRCh37 (hg19) VCF-style: chr11-22239795-G-A.
Other names: c.139G>A, p.Ala47Thr (NM_001142649.2); short protein forms A48T, A47T.
Identifiers: ClinVar variation 843439 (VCV000843439.10), dbSNP rs1156394263, ClinGen allele CA379924750.
Genomic context (GRCh38, chr11:22,218,249, plus strand): 5'-GAATCTTTACTGTAATTCTGGGCAGGAAGTGCTAATTCTTTATTGGTTGCTTCACAGCCT[G>A]CAAAGCGATTCAATTTGTTCCTGAGGCGGCGGCTTATGGTAAAACCAGTGCTGAATGATG-3'
Protein context (NP_998764.1, residues 38-58): SFLINEETMP[Ala48Thr]KRFNLFLRRR